The following is an entry in ClinVar:

ClinVar aggregate classification (germline): Uncertain significance (1 of 4 stars; one submission).

Conditions:
Capillary malformation-arteriovenous malformation syndrome. Also called: Capillary malformation-arteriovenous malformation. Identifiers: Orphanet 137667, MedGen C1842180, MONDO:0012016.

Submission:

Labcorp Genetics (formerly Invitae), Labcorp
Classification: Uncertain significance for Capillary malformation-arteriovenous malformation syndrome. Last evaluated: 2025-04-11. Review status: criteria provided, single submitter. Criteria: Invitae Variant Classification Sherloc (09022015). Collection method: clinical testing. Allele origin: germline.
Comment: This variant, c.2428_2430dup, results in the insertion of 1 amino acid(s) of the RASA1 protein (p.Val810dup), but otherwise preserves the integrity of the reading frame. This variant is not present in population databases (gnomAD no frequency). This variant has not been reported in the literature in individuals affected with RASA1-related conditions. In summary, the available evidence is currently insufficient to determine the role of this variant in disease. Therefore, it has been classified as a Variant of Uncertain Significance.

NM_002890.3(RASA1):c.2428_2430dup (p.Val810_His811insVal)

Genes: CCNH (cyclin H; minus strand), RASA1 (RAS p21 protein activator 1; plus strand). Cytogenetic location: 5q14.3.
Variant type: Duplication.
Coding change: c.2428_2430dup on transcript NM_002890.3 (MANE Select); coding-DNA positions 2428 to 2430, 3 bases duplicated (GTT; older notation c.2428_2430dupGTT).
Protein change: p.Val810_His811insVal.
Molecular consequence: inframe insertion. On other transcripts: intron variant (1).
Genome position (GRCh38, 1-based): chr5:87,378,479-87,378,481, GTT duplicated; duplicating any 3 consecutive bases within chr5:87,378,477-87,378,481 gives the same sequence; the c. name uses the placement nearest the transcript's 3' end. VCF-style (leftmost placement, unchanged base first): chr5-87378476-T-TTTG. GRCh37 (hg19) VCF-style: chr5-86674293-T-TTTG.
Other names: c.1897_1899dup, p.Val633_His634insVal (NM_022650.3); c.933+16565_933+16567dup (NM_001364075.2).
Identifiers: ClinVar variation 4717245 (VCV004717245.1).